The following is an entry in ClinVar:

ClinVar aggregate classification (germline): Uncertain significance (1 of 4 stars; one submission).

Submission:

Labcorp Genetics (formerly Invitae), Labcorp
Classification: Uncertain significance. Last evaluated: 2022-07-27. Review status: criteria provided, single submitter. Criteria: Invitae Variant Classification Sherloc (09022015). Collection method: clinical testing. Allele origin: germline.
Comment: In summary, the available evidence is currently insufficient to determine the role of this variant in disease. Therefore, it has been classified as a Variant of Uncertain Significance. Variants that disrupt the consensus splice site are a relatively common cause of aberrant splicing (PMID: 17576681, 9536098). Algorithms developed to predict the effect of sequence changes on RNA splicing suggest that this variant may create or strengthen a splice site. This variant has not been reported in the literature in individuals affected with SUCO-related conditions. This variant is not present in population databases (gnomAD no frequency). This sequence change falls in intron 7 of the SUCO gene. It does not directly change the encoded amino acid sequence of the SUCO protein. It affects a nucleotide within the consensus splice site.

Literature cited by the submitters: PubMed 17576681; PubMed 9536098.

NM_014283.5(SUCO):c.856+3A>G

Gene: SUCO (SUN domain containing ossification factor; plus strand). Cytogenetic location: 1q24.3.
Variant type: single nucleotide variant.
Coding change: c.856+3A>G on transcript NM_014283.5 (MANE Select); 3 bases into the intron after coding-DNA position 856, A replaced by G.
Molecular consequence: intron variant.
Genome position (GRCh38, 1-based): chr1:172,569,145, A>G. VCF-style: chr1-172569145-A-G. GRCh37 (hg19) VCF-style: chr1-172538285-A-G.
Other names: c.1330+3A>G (NM_016227.4); c.-674+3A>G (NM_001282751.2); c.745+3A>G (NM_001282750.2).
Identifiers: ClinVar variation 2007268 (VCV002007268.4), dbSNP rs2527328888, ClinGen allele CA2580061369.